The following is an entry in ClinVar:

NM_004360.5(CDH1):c.2128A>C (p.Ile710Leu)

Gene: CDH1 (cadherin 1; plus strand). Cytogenetic location: 16q22.1.
Variant type: single nucleotide variant.
Coding change: c.2128A>C on transcript NM_004360.5 (MANE Select); coding-DNA position 2128, A replaced by C.
Protein change: p.Ile710Leu; replaces isoleucine 710 with leucine.
Molecular consequence: missense variant.
Genome position (GRCh38, 1-based): chr16:68,823,590, A>C. VCF-style: chr16-68823590-A-C. GRCh37 (hg19) VCF-style: chr16-68857493-A-C.
Other names: c.2128A>C (LRG_301t1); c.1945A>C, p.Ile649Leu (NM_001317184.2); c.580A>C, p.Ile194Leu (NM_001317185.2); c.163A>C, p.Ile55Leu (NM_001317186.2); short protein forms I710L, I194L, I649L, I55L.
Identifiers: ClinVar variation 233762 (VCV000233762.17), dbSNP rs876660625, ClinGen allele CA10580150.

ClinVar aggregate classification (germline): Uncertain significance. Review status: criteria provided, multiple submitters, no conflicts (2 of 4 stars). 3 submissions from 3 submitters: Uncertain significance (3). Last evaluated 2025-04-11.

Conditions:
Hereditary cancer-predisposing syndrome. Also called: Tumor predisposition; Hereditary Cancer Syndrome; Hereditary neoplastic syndrome; Neoplastic Syndromes, Hereditary. Identifiers: Orphanet 140162, MedGen C0027672, MeSH D009386, MONDO:0015356.
Hereditary diffuse gastric adenocarcinoma (HDGC). Also called: DIFFUSE GASTRIC AND LOBULAR BREAST CANCER SYNDROME. Identifiers: Orphanet 26106, MedGen C1708349, MONDO:0007648, OMIM 137215.

Submissions (3):

Labcorp Genetics (formerly Invitae), Labcorp
Classification: Uncertain significance for Hereditary diffuse gastric adenocarcinoma. Last evaluated: 2025-04-11. Review status: criteria provided, single submitter. Criteria: Invitae Variant Classification Sherloc (09022015). Collection method: clinical testing. Allele origin: germline.
Comment: This sequence change replaces isoleucine, which is neutral and non-polar, with leucine, which is neutral and non-polar, at codon 710 of the CDH1 protein (p.Ile710Leu). This variant is not present in population databases (gnomAD no frequency). This variant has not been reported in the literature in individuals affected with CDH1-related conditions. ClinVar contains an entry for this variant (Variation ID: 233762). An algorithm developed to predict the effect of missense changes on protein structure and function (PolyPhen-2) suggests that this variant is likely to be tolerated. In summary, the available evidence is currently insufficient to determine the role of this variant in disease. Therefore, it has been classified as a Variant of Uncertain Significance.

Ambry Genetics
Classification: Uncertain significance for Hereditary cancer-predisposing syndrome. Last evaluated: 2023-01-17. Review status: criteria provided, single submitter. Criteria: Ambry Variant Classification Scheme 2023. Collection method: clinical testing. Allele origin: germline.
Comment: The p.I710L variant (also known as c.2128A>C), located in coding exon 13 of the CDH1 gene, results from an A to C substitution at nucleotide position 2128. The isoleucine at codon 710 is replaced by leucine, an amino acid with highly similar properties. This amino acid position is well conserved in available vertebrate species. In addition, this alteration is predicted to be tolerated by in silico analysis. Since supporting evidence is limited at this time, the clinical significance of this alteration remains unclear.

GeneDx
Classification: Uncertain significance. Last evaluated: 2022-01-06. Review status: criteria provided, single submitter. Criteria: GeneDx Variant Classification Process June 2021. Collection method: clinical testing. Allele origin: germline. Affected: yes.
Comment: Not observed at significant frequency in large population cohorts (gnomAD); In silico analysis supports that this missense variant does not alter protein structure/function; Has not been previously published as pathogenic or benign to our knowledge